The following is an entry in ClinVar:

NM_001287491.2(TET3):c.4906dup (p.Glu1636fs)

Gene: TET3 (tet methylcytosine dioxygenase 3; plus strand). Cytogenetic location: 2p13.1.
Variant type: Duplication.
Coding change: c.4906dup on transcript NM_001287491.2 (MANE Select); coding-DNA position 4906, one base duplicated (G; older notation c.4906dupG).
Protein change: p.Glu1636fs; shifts the reading frame from glutamic acid 1636.
Molecular consequence: frameshift variant.
Genome position (GRCh38, 1-based): chr2:74,101,694, G duplicated; the last of 2 consecutive G bases (chr2:74,101,693-74,101,694); duplicating either gives the same sequence. VCF-style (leftmost placement, unchanged base first): chr2-74101692-A-AG. GRCh37 (hg19) VCF-style: chr2-74328819-A-AG.
Other names: c.4627dup, p.Glu1543fs (NM_001366022.1); short protein forms E1543fs, E1636fs.
Identifiers: ClinVar variation 5038089 (VCV005038089.1).

ClinVar aggregate classification (germline): Uncertain significance (1 of 4 stars; one submission).

Conditions:
Beck-Fahrner syndrome (BEFAHRS). Identifiers: Orphanet 684216, MedGen C5394097, MONDO:0032922, OMIM 618798.

Submission:

MVZ Medizinische Genetik Mainz
Classification: Uncertain significance for Beck-Fahrner syndrome. Last evaluated: 2025-11-26. Review status: criteria provided, single submitter. Criteria: UK Practice Guidelines For Variant Classification V4 01 2020. Collection method: clinical testing. Allele origin: germline. Inheritance: Autosomal dominant inheritance. Affected: yes. Observed: 1 variant allele.
Comment: ACMG Criteria: PVS1_STR,PM2_SUP